The following is an entry in ClinVar:

ClinVar aggregate classification (germline): Uncertain significance (1 of 4 stars; one submission).

Conditions:
COG5-congenital disorder of glycosylation. Also called: CDG IIi; CONGENITAL DISORDER OF GLYCOSYLATION, TYPE IIi; COG5-CDG. Identifiers: Orphanet 263487, MedGen C3150876, MONDO:0013325, OMIM 613612.

Allele frequency attached by ClinVar (database versions not stated): gnomAD 0.00001; TOPMed 0.00001; gnomAD exomes 0.00002 and 0.00003; ExAC 0.00003; 1000 Genomes Project 30x 0.00016; 1000 Genomes Project 0.00020.
gnomAD v4.1: 27 of 1,613,568 alleles (0.0017%); highest among the groups gnomAD compares: South Asian, 0.026%; no homozygotes.

Submission:

Labcorp Genetics (formerly Invitae), Labcorp
Classification: Uncertain significance for COG5-congenital disorder of glycosylation. Last evaluated: 2022-06-20. Review status: criteria provided, single submitter. Criteria: Invitae Variant Classification Sherloc (09022015). Collection method: clinical testing. Allele origin: germline.
Comment: This sequence change replaces isoleucine, which is neutral and non-polar, with valine, which is neutral and non-polar, at codon 276 of the COG5 protein (p.Ile276Val). This variant is present in population databases (rs533220570, gnomAD 0.02%). This variant has not been reported in the literature in individuals affected with COG5-related conditions. Algorithms developed to predict the effect of missense changes on protein structure and function output the following: SIFT: "Tolerated"; PolyPhen-2: "Benign"; Align-GVGD: "Class C0". The valine amino acid residue is found in multiple mammalian species, which suggests that this missense change does not adversely affect protein function. In summary, the available evidence is currently insufficient to determine the role of this variant in disease. Therefore, it has been classified as a Variant of Uncertain Significance.

NM_006348.5(COG5):c.733A>G (p.Ile245Val)

Gene: COG5 (component of oligomeric golgi complex 5; minus strand). Cytogenetic location: 7q22.3.
Variant type: single nucleotide variant.
Coding change: c.733A>G on transcript NM_006348.5 (MANE Select); coding-DNA position 733, A replaced by G.
Protein change: p.Ile245Val; replaces isoleucine 245 with valine.
Molecular consequence: missense variant. On other transcripts: intron variant (2).
Genome position (GRCh38, 1-based): chr7:107,372,697, T>C on the plus strand (A>G on the coding strand, the complement: COG5 is on the minus strand). VCF-style: chr7-107372697-T-C. GRCh37 (hg19) VCF-style: chr7-107013142-T-C.
Other names: c.733A>G, p.Ile245Val (NM_001161520.2, NM_001379511.1, NM_001379512.1 and 3 more transcripts); c.235-10587A>G (NM_001379516.1); c.539-74351A>G (NM_001379515.1); short protein forms I245V.
Identifiers: ClinVar variation 1525096 (VCV001525096.5), dbSNP rs533220570, ClinGen allele CA4431124.